The following is an entry in ClinVar:

NM_000051.4(ATM):c.8597T>C (p.Leu2866Pro)

Genes: ATM (ATM serine/threonine kinase; plus strand), C11orf65 (chromosome 11 open reading frame 65; minus strand). Cytogenetic location: 11q22.3.
Variant type: single nucleotide variant.
Coding change: c.8597T>C on transcript NM_000051.4 (MANE Select); coding-DNA position 8597, T replaced by C.
Protein change: p.Leu2866Pro; replaces leucine 2866 with proline.
Molecular consequence: missense variant. On other transcripts: intron variant (2).
Genome position (GRCh38, 1-based): chr11:108,347,291, T>C. VCF-style: chr11-108347291-T-C. GRCh37 (hg19) VCF-style: chr11-108218018-T-C.
Other names: c.8597T>C, p.Leu2866Pro (NM_001351834.2); c.641-38220A>G (NM_001330368.2); c.695-11999A>G (NM_001351110.2); short protein forms L2866P.
Identifiers: ClinVar variation 453736 (VCV000453736.13), dbSNP rs1555139517, ClinGen allele CA382520424.
Genomic context (GRCh38, chr11:108,347,291, plus strand): 5'-AAGAGATGGAATCAGTGATTTCAGATTGTTTGTTTCTTTTTTCTCCAGTTGGTTACATAC[T>C]TGGACTTGGTGATAGACATGTACAGAATATCTTGATAAATGAGCAGTCAGCAGAACTTGT-3'
Protein context (NP_000042.3, residues 2856-2876): VATSSIVGYI[Leu2866Pro]GLGDRHVQNI

ClinVar aggregate classification (germline): Uncertain significance. Review status: criteria provided, multiple submitters, no conflicts (2 of 4 stars). 3 submissions from 3 submitters: Uncertain significance (2). 1 of the submissions does not count toward it. Last evaluated 2022-03-02.

Conditions:
Familial ovarian cancer. Identifiers: MedGen C5679802, MONDO:0016248.
Hereditary cancer-predisposing syndrome. Also called: Neoplastic Syndromes, Hereditary; Hereditary Cancer Syndrome; Tumor predisposition; Hereditary neoplastic syndrome. Identifiers: Orphanet 140162, MedGen C0027672, MeSH D009386, MONDO:0015356.
Ataxia-telangiectasia syndrome (AT). Also called: LOUIS-BAR SYNDROME; Cerebello-oculocutaneous telangiectasia; Immunodeficiency with ataxia telangiectasia; Ataxia-telangiectasia, complementation group D; AT, COMPLEMENTATION GROUP C; Ataxia-telangiectasia, complementation group E. Identifiers: Orphanet 100, MedGen C0004135, MONDO:0008840, OMIM 208900.

Submissions (3):

Ambry Genetics
Classification: Uncertain significance for Hereditary cancer-predisposing syndrome. Last evaluated: 2022-03-02. Review status: criteria provided, single submitter. Criteria: Ambry Variant Classification Scheme 2023. Collection method: clinical testing. Allele origin: germline.
Comment: The p.L2866P variant (also known as c.8597T>C), located in coding exon 58 of the ATM gene, results from a T to C substitution at nucleotide position 8597. The leucine at codon 2866 is replaced by proline, an amino acid with similar properties. This amino acid position is not well conserved in available vertebrate species. In addition, this alteration is predicted to be deleterious by in silico analysis. Since supporting evidence is limited at this time, the clinical significance of this alteration remains unclear.

Labcorp Genetics (formerly Invitae), Labcorp
Classification: Uncertain significance for Ataxia-telangiectasia syndrome. Last evaluated: 2017-03-28. Review status: criteria provided, single submitter. Criteria: Invitae Variant Classification Sherloc (09022015). Collection method: clinical testing. Allele origin: germline.
Comment: In summary, this variant is a novel missense change with uncertain impact on protein function. It has been classified as a Variant of Uncertain Significance. Algorithms developed to predict the effect of missense changes on protein structure and function (SIFT, PolyPhen-2, Align-GVGD) all suggest that this variant is likely to be disruptive, but these predictions have not been confirmed by published functional studies. This variant is not present in population databases (ExAC no frequency) and has not been reported in the literature in individuals with an ATM-related disease. This sequence change replaces leucine with proline at codon 2866 of the ATM protein (p.Leu2866Pro). The leucine residue is moderately conserved and there is a moderate physicochemical difference between leucine and proline.

Department of Pathology and Laboratory Medicine, Sinai Health System
Classification: Uncertain significance for Familial ovarian cancer. Review status: no assertion criteria provided. Collection method: clinical testing. Allele origin: unknown. Affected: yes. Study: The Canadian Open Genetics Repository (COGR). Not counted in ClinVar's aggregate classification.
Comment: The ATM p.Leu2866Pro variant was not identified in the literature nor was it identified in the dbSNP, LOVD 3.0, databases. The variant was identified in ClinVar (classified as uncertain significance by Invitae). The variant was not identified in the following control databases: the Exome Aggregation Consortium (August 8th 2016), or the Genome Aggregation Database (Feb 27, 2017). The p.Leu2866 residue is conserved in mammals but not in more distantly related organisms, and computational analyses (PolyPhen-2, SIFT, AlignGVGD, BLOSUM, MutationTaster) suggest that the variant may impact the protein; however, this information is not predictive enough to assume pathogenicity. The variant occurs outside of the splicing consensus sequence and in silico or computational prediction software programs (SpliceSiteFinder, MaxEntScan, NNSPLICE, GeneSplicer) do not predict a difference in splicing. In summary, based on the above information the clinical significance of this variant cannot be determined with certainty at this time. This variant is classified as a variant of uncertain significance.